The following is an entry in ClinVar:

NM_000179.3(MSH6):c.160_196dup (p.Pro66fs)

Gene: MSH6 (mutS homolog 6; plus strand). Cytogenetic location: 2p16.3.
Variant type: Duplication.
Coding change: c.160_196dup on transcript NM_000179.3 (MANE Select); coding-DNA positions 160 to 196, 37 bases duplicated.
Protein change: p.Pro66fs; shifts the reading frame from proline 66.
Molecular consequence: frameshift variant. On other transcripts: 5 prime UTR variant (7), non-coding transcript variant (5), intron variant (5).
Genome position (GRCh38, 1-based): chr2:47,783,393-47,783,429, 37 bases duplicated. GRCh37 (hg19): chr2:48,010,532-48,010,568.
Other names: c.160_196dup, p.Pro66fs (NM_001281492.2, NM_001406795.1, NM_001406796.1 and 9 more transcripts); c.-577_-541dup (NM_001281493.2, NM_001406811.1); c.-169_-133dup (NM_001406799.1); c.105_141dup, p.Arg48fs (NM_001406804.1); c.-769_-733dup (NM_001406807.1); c.-424_-388dup (NM_001406812.1); c.-835_-799dup (NM_001406814.1); c.-380_-344dup (NM_001406816.1); and 4 more; short protein forms P66fs, R48fs.
Identifiers: ClinVar variation 3346290 (VCV003346290.1).

ClinVar aggregate classification (germline): Likely pathogenic (0 of 4 stars; one submission).

Conditions:
MSH6-related disorder. Also called: MSH6-related condition; MSH6-Related disorders.

Submission:

PreventionGenetics, part of Exact Sciences
Classification: Likely pathogenic for MSH6-related condition. Last evaluated: 2024-09-14. Review status: no assertion criteria provided. Collection method: clinical testing. Allele origin: germline.
Comment: The MSH6 c.160_196dup37 variant is predicted to result in a frameshift and premature protein termination (p.Pro66Argfs*36). To our knowledge, this variant has not been reported in the literature or in a large population database, indicating this variant is rare. This variant is not in ClinVar. Frameshift variants in MSH6 are expected to be pathogenic. This variant is interpreted as likely pathogenic.